The following is an entry in ClinVar:

ClinVar aggregate classification (germline): Uncertain significance (1 of 4 stars; one submission).

Conditions:
Multiple endocrine neoplasia, type 1 (MEN1). Also called: MEN I; WERMER SYNDROME; Endocrine adenomatosis multiple; MEN 1; MEA I. Identifiers: Orphanet 652, MedGen C0025267, MeSH D018761, MONDO:0007540, OMIM 131100.

Submission:

Labcorp Genetics (formerly Invitae), Labcorp
Classification: Uncertain significance for Multiple endocrine neoplasia, type 1. Last evaluated: 2025-06-01. Review status: criteria provided, single submitter. Criteria: Invitae Variant Classification Sherloc (09022015). Collection method: clinical testing. Allele origin: germline.
Comment: This sequence change replaces threonine, which is neutral and polar, with alanine, which is neutral and non-polar, at codon 552 of the MEN1 protein (p.Thr552Ala). This variant is not present in population databases (gnomAD no frequency). This variant has not been reported in the literature in individuals affected with MEN1-related conditions. ClinVar contains an entry for this variant (Variation ID: 1410267). Invitae Evidence Modeling of protein sequence and biophysical properties (such as structural, functional, and spatial information, amino acid conservation, physicochemical variation, residue mobility, and thermodynamic stability) has been performed for this missense variant. However, the output from this modeling did not meet the statistical confidence thresholds required to predict the impact of this variant on MEN1 protein function. In summary, the available evidence is currently insufficient to determine the role of this variant in disease. Therefore, it has been classified as a Variant of Uncertain Significance.

NM_001370259.2(MEN1):c.1654A>G (p.Thr552Ala)

Gene: MEN1 (menin 1; minus strand). Cytogenetic location: 11q13.1.
Variant type: single nucleotide variant.
Coding change: c.1654A>G on transcript NM_001370259.2 (MANE Select); coding-DNA position 1654, A replaced by G.
Protein change: p.Thr552Ala; replaces threonine 552 with alanine.
Molecular consequence: missense variant.
Genome position (GRCh38, 1-based): chr11:64,804,513, T>C on the plus strand (A>G on the coding strand, the complement: MEN1 is on the minus strand). VCF-style: chr11-64804513-T-C. GRCh37 (hg19) VCF-style: chr11-64571985-T-C.
Other names: c.1669A>G, p.Thr557Ala (NM_000244.4, NM_130800.3, NM_130801.3 and 3 more transcripts); c.1780A>G, p.Thr594Ala (NM_001370251.2); c.1654A>G, p.Thr552Ala (NM_001370260.2, NM_001370261.2, NM_130799.3); c.1549A>G, p.Thr517Ala (NM_001370262.2, NM_001370263.2); short protein forms T557A, T517A, T552A, T594A.
Identifiers: ClinVar variation 1410267 (VCV001410267.8), dbSNP rs121913035, ClinGen allele CA381177852.